The following is an entry in ClinVar:

NC_000004.11:g.(?_996510)_(998355_?)del

Gene: IDUA (alpha-L-iduronidase; plus strand). Cytogenetic location: 4p16.3.
Variant type: Deletion.
Identifiers: ClinVar variation 1070716 (VCV001070716.2).

ClinVar aggregate classification (germline): Pathogenic (1 of 4 stars; one submission).

Conditions:
Mucopolysaccharidosis type 1. Also called: IDUA deficiency; MPS I. Identifiers: Orphanet 579, MedGen C0023786, MONDO:0001586.

Submission:

Labcorp Genetics (formerly Invitae), Labcorp
Classification: Pathogenic for Mucopolysaccharidosis type 1. Last evaluated: 2021-08-12. Review status: criteria provided, single submitter. Criteria: Invitae Variant Classification Sherloc (09022015). Collection method: clinical testing. Allele origin: germline.
Comment: This variant is a gross deletion of the genomic region encompassing exon(s) 9-14 of the IDUA gene, which includes the termination codon. This deletion extends beyond the assayed region for this gene and therefore may encompass additional genes. While this deletion is not anticipated to lead to nonsense mediated decay, it is expected to alter mRNA translation or result in a truncated protein product. This variant has not been reported in the literature in individuals affected with IDUA-related conditions. This variant disrupts a region of the IDUA protein in which other variant(s) (deletion of exon 14) have been determined to be pathogenic (PMID: 31319022). This suggests that this is a clinically significant region of the protein, and that variants that disrupt it are likely to be disease-causing. For these reasons, this variant has been classified as Pathogenic.

Literature cited by the submitters: PubMed 31319022.